The following is an entry in ClinVar:

ClinVar aggregate classification (germline): Conflicting classifications of pathogenicity. Review status: criteria provided, conflicting classifications (1 of 4 stars). 2 submissions from 2 submitters: Uncertain significance (1); Likely benign (1). Last evaluated 2025-05-07.

Conditions:
ADCY10-related disorder. Also called: ADCY10-related condition.

Allele frequency attached by ClinVar (database versions not stated): gnomAD exomes 0.00004; ExAC 0.00006; gnomAD 0.00011; TOPMed 0.00013.
gnomAD v4.1: 67 of 1,613,926 alleles (0.0042%); highest among the groups gnomAD compares: Admixed American, 0.072%; no homozygotes.

Submissions (2):

PreventionGenetics, part of Exact Sciences
Classification: Likely benign for ADCY10-related condition. Last evaluated: 2025-05-07. Review status: criteria provided, single submitter. Criteria: ACMG Guidelines, 2015. Collection method: clinical testing. Allele origin: germline.
Comment: This variant is classified as likely benign based on ACMG/AMP sequence variant interpretation guidelines (Richards et al. 2015 PMID: 25741868, with internal and published modifications).

Labcorp Genetics (formerly Invitae), Labcorp
Classification: Uncertain significance. Last evaluated: 2022-11-10. Review status: criteria provided, single submitter. Criteria: Invitae Variant Classification Sherloc (09022015). Collection method: clinical testing. Allele origin: germline.
Comment: In summary, the available evidence is currently insufficient to determine the role of this variant in disease. Therefore, it has been classified as a Variant of Uncertain Significance. Algorithms developed to predict the effect of missense changes on protein structure and function output the following: SIFT: "Tolerated"; PolyPhen-2: "Benign"; Align-GVGD: "Class C0". The tryptophan amino acid residue is found in multiple mammalian species, which suggests that this missense change does not adversely affect protein function. This variant has not been reported in the literature in individuals affected with ADCY10-related conditions. This variant is present in population databases (rs200703036, gnomAD 0.07%), and has an allele count higher than expected for a pathogenic variant. This sequence change replaces arginine, which is basic and polar, with tryptophan, which is neutral and slightly polar, at codon 1361 of the ADCY10 protein (p.Arg1361Trp).

NM_018417.6(ADCY10):c.4081C>T (p.Arg1361Trp)

Gene: ADCY10 (adenylate cyclase 10; minus strand). Cytogenetic location: 1q24.2.
Variant type: single nucleotide variant.
Coding change: c.4081C>T on transcript NM_018417.6 (MANE Select); coding-DNA position 4081, C replaced by T.
Protein change: p.Arg1361Trp; replaces arginine 1361 with tryptophan.
Molecular consequence: missense variant.
Genome position (GRCh38, 1-based): chr1:167,823,095, G>A on the plus strand (C>T on the coding strand, the complement: ADCY10 is on the minus strand). VCF-style: chr1-167823095-G-A. GRCh37 (hg19) VCF-style: chr1-167792333-G-A.
Other names: c.4081C>T (NM_018417.5); c.3622C>T, p.Arg1208Trp (NM_001167749.3); c.3805C>T, p.Arg1269Trp (NM_001297772.2); short protein forms R1269W, R1361W, R1208W.
Identifiers: ClinVar variation 2722927 (VCV002722927.4), dbSNP rs200703036, ClinGen allele CA1227148.
Genomic context (GRCh38, chr1:167,823,095, plus strand): 5'-CAAAATAGAAAAATGCCTTGCTGAAGATGTGTTCCTGTGTTACAGAAAGCTCCCACAGCC[G>A]CCCCAGCACCTGGATCAATTGCGGGTATCTATGGAAAAGAAAAGGTAGTGGCCATTAAAA-3'
Protein context (NP_060887.2, residues 1351-1371): RYPQLIQVLG[Arg1361Trp]LWELSVTQEH